The following is an entry in ClinVar:

NM_006767.4(LZTR1):c.1012C>T (p.Pro338Ser)

Gene: LZTR1 (leucine zipper like post translational regulator 1; plus strand). Cytogenetic location: 22q11.21.
Variant type: single nucleotide variant.
Coding change: c.1012C>T on transcript NM_006767.4 (MANE Select); coding-DNA position 1012, C replaced by T.
Protein change: p.Pro338Ser; replaces proline 338 with serine.
Molecular consequence: missense variant.
Genome position (GRCh38, 1-based): chr22:20,992,232, C>T. VCF-style: chr22-20992232-C-T. GRCh37 (hg19) VCF-style: chr22-21346521-C-T.
Other names: short protein forms P338S.
Identifiers: ClinVar variation 3869311 (VCV003869311.1).

ClinVar aggregate classification (germline): Uncertain significance (1 of 4 stars; one submission).

Conditions:
Cardiovascular phenotype. Identifiers: MedGen CN230736.
Hereditary cancer-predisposing syndrome. Also called: Tumor predisposition; Neoplastic Syndromes, Hereditary; Hereditary Cancer Syndrome; Hereditary neoplastic syndrome. Identifiers: Orphanet 140162, MedGen C0027672, MeSH D009386, MONDO:0015356.

Submission:

Ambry Genetics
Classification: Uncertain significance for Cardiovascular phenotype; Hereditary cancer-predisposing syndrome. Last evaluated: 2025-01-30. Review status: criteria provided, single submitter. Criteria: Ambry Variant Classification Scheme 2023. Collection method: clinical testing. Allele origin: germline.
Comment: The p.P338S variant (also known as c.1012C>T), located in coding exon 10 of the LZTR1 gene, results from a C to T substitution at nucleotide position 1012. The proline at codon 338 is replaced by serine, an amino acid with similar properties. This amino acid position is conserved. In addition, this alteration is predicted to be tolerated by in silico analysis. Based on the available evidence, the clinical significance of this variant remains unclear.